The following is an entry in ClinVar:

NM_001242896.3(DEPDC5):c.1411G>A (p.Gly471Ser)

Gene: DEPDC5 (DEP domain containing 5, GATOR1 subcomplex subunit; plus strand). Cytogenetic location: 22q12.3.
Variant type: single nucleotide variant.
Coding change: c.1411G>A on transcript NM_001242896.3 (MANE Select); coding-DNA position 1411, G replaced by A.
Protein change: p.Gly471Ser; replaces glycine 471 with serine.
Molecular consequence: missense variant. On other transcripts: non-coding transcript variant (5).
Genome position (GRCh38, 1-based): chr22:31,810,607, G>A. VCF-style: chr22-31810607-G-A. GRCh37 (hg19) VCF-style: chr22-32206593-G-A.
Other names: c.1411G>A, p.Gly471Ser (NM_001007188.4, NM_001136029.4, NM_001242897.2 and 7 more transcripts); c.1327G>A, p.Gly443Ser (NM_001369901.1, NM_001369902.1); short protein forms G471S, G443S.
Identifiers: ClinVar variation 534805 (VCV000534805.10), dbSNP rs756780050, ClinGen allele CA10196363.
Genomic context (GRCh38, chr22:31,810,607, plus strand): 5'-AACGCCCTTCCCATCCAAGTAGATTATGACGCCTATGACGCTCAAGTGTTCAGGCTGCCC[G>A]GCCCATCCCGGGCCCAGTGCCTCACCACCTGCAGGTTTTCTGCCAGATTCACTTGGGGGT-3'
Protein context (NP_001229825.1, residues 461-481): AYDAQVFRLP[Gly471Ser]PSRAQCLTTC

ClinVar aggregate classification (germline): Uncertain significance (1 of 4 stars; one submission).

Conditions:
Familial focal epilepsy with variable foci (FPEVF). Identifiers: Orphanet 98820, MedGen C1858477, MONDO:0020310.

Allele frequency attached by ClinVar (database versions not stated): TOPMed below 0.00001; ExAC 0.00002; gnomAD exomes 0.00002.

Submission:

Labcorp Genetics (formerly Invitae), Labcorp
Classification: Uncertain significance for Familial focal epilepsy with variable foci. Last evaluated: 2023-09-08. Review status: criteria provided, single submitter. Criteria: Invitae Variant Classification Sherloc (09022015). Collection method: clinical testing. Allele origin: germline.
Comment: ClinVar contains an entry for this variant (Variation ID: 534805). Experimental studies and prediction algorithms are not available or were not evaluated, and the functional significance of this variant is currently unknown. In summary, the available evidence is currently insufficient to determine the role of this variant in disease. Therefore, it has been classified as a Variant of Uncertain Significance. This variant has not been reported in the literature in individuals affected with DEPDC5-related conditions. This sequence change replaces glycine, which is neutral and non-polar, with serine, which is neutral and polar, at codon 471 of the DEPDC5 protein (p.Gly471Ser). This variant is present in population databases (rs756780050, gnomAD 0.006%).